The following is an entry in ClinVar:

ClinVar aggregate classification (germline): Likely pathogenic (1 of 4 stars; one submission).

Conditions:
Hereditary spastic paraplegia 11. Also called: Nakamura Osame syndrome; Autosomal recessive hereditary spastic paraplegia, mental impairment, and thin corpus callosum; Spastic paraplegia, mental retardation and thin corpus callosum; SPASTIC PARAPLEGIA, AUTOSOMAL RECESSIVE, COMPLICATED, WITH THIN CORPUS CALLOSUM; SPASTIC PARAPLEGIA, AUTOSOMAL RECESSIVE, WITH MENTAL IMPAIRMENT AND THIN CORPUS CALLOSUM; Spastic Paraplegia 11. Identifiers: Orphanet 2822, MedGen C1858479, MONDO:0011445, OMIM 604360.

Submission:

Labcorp Genetics (formerly Invitae), Labcorp
Classification: Likely pathogenic for Hereditary spastic paraplegia 11. Last evaluated: 2023-07-29. Review status: criteria provided, single submitter. Criteria: Invitae Variant Classification Sherloc (09022015). Collection method: clinical testing. Allele origin: germline.
Comment: In summary, the currently available evidence indicates that the variant is pathogenic, but additional data are needed to prove that conclusively. Therefore, this variant has been classified as Likely Pathogenic. Algorithms developed to predict the effect of sequence changes on RNA splicing suggest that this variant may disrupt the consensus splice site. This variant has not been reported in the literature in individuals affected with SPG11-related conditions. This variant is not present in population databases (gnomAD no frequency). This sequence change affects a donor splice site in intron 6 of the SPG11 gene. It is expected to disrupt RNA splicing. Variants that disrupt the donor or acceptor splice site typically lead to a loss of protein function (PMID: 16199547), and loss-of-function variants in SPG11 are known to be pathogenic (PMID: 19105190, 20110243, 22154821, 26556829).

Literature cited by the submitters: PubMed 16199547; PubMed 19105190; PubMed 20110243; PubMed 22154821; PubMed 26556829.

NM_025137.4(SPG11):c.1456+1G>T

Gene: SPG11 (SPG11 vesicle trafficking associated, spatacsin; minus strand). Cytogenetic location: 15q21.1.
Variant type: single nucleotide variant.
Coding change: c.1456+1G>T on transcript NM_025137.4 (MANE Select); the canonical splice donor site of the intron after coding-DNA position 1456, G replaced by T.
Molecular consequence: splice donor variant.
Genome position (GRCh38, 1-based): chr15:44,651,490, C>A on the plus strand (G>T on the coding strand, the complement: SPG11 is on the minus strand). VCF-style: chr15-44651490-C-A. GRCh37 (hg19) VCF-style: chr15-44943688-C-A.
Other names: c.1456+1G>T (NM_001411132.1, NM_001160227.2).
Identifiers: ClinVar variation 2748176 (VCV002748176.3), dbSNP rs2505724394, ClinGen allele CA392235792.